The following is an entry in ClinVar:

NM_005555.4(KRT6B):c.635C>T (p.Pro212Leu)

Gene: KRT6B (keratin 6B; minus strand). Cytogenetic location: 12q13.13.
Variant type: single nucleotide variant.
Coding change: c.635C>T on transcript NM_005555.4 (MANE Select); coding-DNA position 635, C replaced by T.
Protein change: p.Pro212Leu; replaces proline 212 with leucine.
Molecular consequence: missense variant.
Genome position (GRCh38, 1-based): chr12:52,450,526, G>A on the plus strand (C>T on the coding strand, the complement: KRT6B is on the minus strand). VCF-style: chr12-52450526-G-A. GRCh37 (hg19) VCF-style: chr12-52844310-G-A.
Other names: short protein forms P212L.
Identifiers: ClinVar variation 2712779 (VCV002712779.3), dbSNP rs11170126, ClinGen allele CA6580763.

ClinVar aggregate classification (germline): Uncertain significance (1 of 4 stars; one submission).

Allele frequency attached by ClinVar (database versions not stated): gnomAD 0.00031; ExAC 0.00044; 1000 Genomes Project 30x 0.00172.
gnomAD v4.1: 312 of 1,613,952 alleles (0.019%); highest among the groups gnomAD compares: East Asian, 0.29%; no homozygotes.

Submission:

Labcorp Genetics (formerly Invitae), Labcorp
Classification: Uncertain significance. Last evaluated: 2025-08-19. Review status: criteria provided, single submitter. Criteria: Invitae Variant Classification Sherloc (09022015). Collection method: clinical testing. Allele origin: germline.
Comment: This sequence change replaces proline, which is neutral and non-polar, with leucine, which is neutral and non-polar, at codon 212 of the KRT6B protein (p.Pro212Leu). The frequency data for this variant in the population databases is considered unreliable, as metrics indicate poor data quality at this position in the gnomAD database. This variant has not been reported in the literature in individuals affected with KRT6B-related conditions. ClinVar contains an entry for this variant (Variation ID: 2712779). Invitae Evidence Modeling of protein sequence and biophysical properties (such as structural, functional, and spatial information, amino acid conservation, physicochemical variation, residue mobility, and thermodynamic stability) indicates that this missense variant is not expected to disrupt KRT6B protein function with a negative predictive value of 80%. In summary, the available evidence is currently insufficient to determine the role of this variant in disease. Therefore, it has been classified as a Variant of Uncertain Significance.